The following is an entry in ClinVar:

ClinVar aggregate classification (germline): Likely benign (1 of 4 stars; one submission).

Allele frequency attached by ClinVar (database versions not stated): gnomAD exomes 0.00001; TOPMed 0.00001.
gnomAD v4.1: 5 of 1,473,086 alleles (0.00034%); highest among the groups gnomAD compares: Non-Finnish European, 0.00045%; no homozygotes.

Submission:

CeGaT Center for Human Genetics Tuebingen
Classification: Likely benign. Last evaluated: 2022-09-01. Review status: criteria provided, single submitter. Criteria: CeGaT Center For Human Genetics Tuebingen Variant Classification Criteria Version 2. Collection method: clinical testing. Allele origin: germline. Affected: yes. Observed: 1 variant allele.
Comment: RGS3: BP4, BP7

NM_001394167.1(RGS3):c.1084C>T (p.Leu362=)

Gene: RGS3 (regulator of G protein signaling 3; plus strand). Cytogenetic location: 9q32.
Variant type: single nucleotide variant.
Coding change: c.1084C>T on transcript NM_001394167.1 (MANE Select); coding-DNA position 1084, C replaced by T.
Protein change: p.Leu362=; no amino-acid change (leucine 362 retained).
Molecular consequence: synonymous variant.
Genome position (GRCh38, 1-based): chr9:113,507,621, C>T. VCF-style: chr9-113507621-C-T. GRCh37 (hg19) VCF-style: chr9-116269901-C-T.
Other names: c.577C>T, p.Leu193= (NM_001276261.2, NM_001322214.3, NM_130795.4); c.1090C>T, p.Leu364= (NM_001282923.2); c.1084C>T, p.Leu362= (NM_017790.6); c.1108C>T, p.Leu370= (NM_144488.8).
Identifiers: ClinVar variation 2659432 (VCV002659432.24), dbSNP rs1285631570, ClinGen allele CA466907821.